The following is an entry in ClinVar:

ClinVar aggregate classification (germline): Likely benign (0 of 4 stars; one submission).

Conditions:
PLXNA2-related disorder. Also called: PLXNA2-related condition.

gnomAD v4.1: 10 of 1,613,280 alleles (0.00062%); highest among the groups gnomAD compares: Non-Finnish European, 0.00076%; no homozygotes.

Submission:

PreventionGenetics, part of Exact Sciences
Classification: Likely benign for PLXNA2-related condition. Last evaluated: 2024-02-13. Review status: no assertion criteria provided. Collection method: clinical testing. Allele origin: germline.
Comment: This variant is classified as likely benign based on ACMG/AMP sequence variant interpretation guidelines (Richards et al. 2015 PMID: 25741868, with internal and published modifications).

NM_025179.4(PLXNA2):c.5106T>G (p.Thr1702=)

Gene: PLXNA2 (plexin A2; minus strand). Cytogenetic location: 1q32.2.
Variant type: single nucleotide variant.
Coding change: c.5106T>G on transcript NM_025179.4 (MANE Select); coding-DNA position 5106, T replaced by G.
Protein change: p.Thr1702=; no amino-acid change (threonine 1702 retained).
Molecular consequence: synonymous variant.
Genome position (GRCh38, 1-based): chr1:208,031,709, A>C on the plus strand (T>G on the coding strand, the complement: PLXNA2 is on the minus strand). VCF-style: chr1-208031709-A-C. GRCh37 (hg19) VCF-style: chr1-208205054-A-C.
Identifiers: ClinVar variation 3353369 (VCV003353369.1).